The following is an entry in ClinVar:

NM_007294.4(BRCA1):c.2585A>C (p.Lys862Thr)

Gene: BRCA1 (BRCA1 DNA repair associated; minus strand). Cytogenetic location: 17q21.31.
Variant type: single nucleotide variant.
Coding change: c.2585A>C on transcript NM_007294.4 (MANE Select); coding-DNA position 2585, A replaced by C.
Protein change: p.Lys862Thr; replaces lysine 862 with threonine.
Molecular consequence: missense variant. On other transcripts: intron variant (137).
Genome position (GRCh38, 1-based): chr17:43,092,946, T>G on the plus strand (A>C on the coding strand, the complement: BRCA1 is on the minus strand). VCF-style: chr17-43092946-T-G. GRCh37 (hg19) VCF-style: chr17-41244963-T-G.
Other names: c.577+1798A>C (NM_001408485.1, NM_001408483.1, NM_001408514.1 and 9 more transcripts); c.661+1798A>C (NM_001408447.1, NM_001408433.1, NM_001408450.1 and 6 more transcripts); c.784+1798A>C (NM_001408400.1, NM_001408392.1, NM_001407986.1 and 13 more transcripts); c.664+1798A>C (NM_001408441.1, NM_001408437.1, NM_001408429.1 and 12 more transcripts); c.787+1798A>C (NM_001407979.1, NM_001407977.1, NM_001407982.1 and 17 more transcripts); c.646+1798A>C (NM_001408410.1, NM_001408458.1, NM_001408469.1 and 11 more transcripts); c.709+1798A>C (NM_001408415.1, NM_001408414.1, NM_001408411.1 and 2 more transcripts); c.671-1914A>C (NM_001408418.1, NM_001408422.1, NM_001408423.1 and 2 more transcripts); and 41 more; short protein forms K694T, K751T, K861T, K566T, K734T, K735T, K792T, K815T.
Identifiers: ClinVar variation 3676555 (VCV003676555.3).
Genomic context (GRCh38, chr17:43,092,946, plus strand): 5'-CATTCCTCTTCTGCATTTCCTGGATTTGAAAACGGAGCAAATGACTGGCGCTTTGAAACC[T>G]TGAATGTATTCTGCAAATACTGAGCATCAAGTTCACTTTCTTCCATTTCTATGCTTGTTT-3'
Protein context (NP_009225.1, residues 852-872): LDAQYLQNTF[Lys862Thr]VSKRQSFAPF

ClinVar aggregate classification (germline): Uncertain significance. Review status: criteria provided, multiple submitters, no conflicts (2 of 4 stars). 2 submissions from 2 submitters: Uncertain significance (2). Last evaluated 2026-04-05.

Conditions:
Hereditary cancer-predisposing syndrome. Also called: Hereditary neoplastic syndrome; Tumor predisposition; Hereditary Cancer Syndrome; Neoplastic Syndromes, Hereditary. Identifiers: Orphanet 140162, MedGen C0027672, MeSH D009386, MONDO:0015356.
Hereditary breast ovarian cancer syndrome. Also called: Hereditary breast and ovarian cancer; Breast and ovarian cancer; Hereditary breast and/or ovarian cancer syndrome; BRCA1- and BRCA2-Associated Hereditary Breast and Ovarian Cancer; Hereditary breast and ovarian cancer syndrome; Hereditary breast and ovarian cancer syndrome (HBOC). Identifiers: Orphanet 145, MedGen C0677776, MeSH D061325, MONDO:0003582. Disease mechanism: loss of function.

gnomAD v4.1: 2 of 1,613,844 alleles (0.00012%); highest among the groups gnomAD compares: Non-Finnish European, 0.00017%; no homozygotes.

Submissions (2):

Ambry Genetics
Classification: Uncertain significance for Hereditary cancer-predisposing syndrome. Last evaluated: 2026-04-05. Review status: criteria provided, single submitter. Criteria: Ambry Variant Classification Scheme 2023. Collection method: clinical testing. Allele origin: germline.
Comment: The p.K862T variant (also known as c.2585A>C), located in coding exon 9 of the BRCA1 gene, results from an A to C substitution at nucleotide position 2585. The lysine at codon 862 is replaced by threonine, an amino acid with similar properties. This amino acid position is conserved. In addition, the in silico prediction for this alteration is inconclusive. Based on the available evidence, the clinical significance of this variant remains unclear.

Labcorp Genetics (formerly Invitae), Labcorp
Classification: Uncertain significance for Hereditary breast ovarian cancer syndrome. Last evaluated: 2025-08-11. Review status: criteria provided, single submitter. Criteria: Invitae Variant Classification Sherloc (09022015). Collection method: clinical testing. Allele origin: germline.
Comment: This sequence change replaces lysine, which is basic and polar, with threonine, which is neutral and polar, at codon 862 of the BRCA1 protein (p.Lys862Thr). This variant is not present in population databases (gnomAD no frequency). This variant has not been reported in the literature in individuals affected with BRCA1-related conditions. ClinVar contains an entry for this variant (Variation ID: 3676555). Invitae Evidence Modeling of protein sequence and biophysical properties (such as structural, functional, and spatial information, amino acid conservation, physicochemical variation, residue mobility, and thermodynamic stability) indicates that this missense variant is expected to disrupt BRCA1 protein function with a positive predictive value of 80%. In summary, the available evidence is currently insufficient to determine the role of this variant in disease. Therefore, it has been classified as a Variant of Uncertain Significance.